The following is an entry in ClinVar:

ClinVar aggregate classification (germline): Uncertain significance. Review status: criteria provided, multiple submitters, no conflicts (2 of 4 stars). 2 submissions from 2 submitters: Uncertain significance (2). Last evaluated 2025-10-08.

Submissions (2):

Women's Health and Genetics/Laboratory Corporation of America, LabCorp
Classification: Uncertain significance. Last evaluated: 2025-10-08. Review status: criteria provided, single submitter. Criteria: LabCorp Variant Classification Summary - May 2015. Collection method: clinical testing. Allele origin: germline.
Comment: Variant summary: SYNE4 c.97G>A (p.Val33Ile) results in a conservative amino acid change in the encoded protein sequence. Algorithms developed to predict the effect of missense changes on protein structure and function all suggest that this variant is likely to be tolerated. The variant allele was found at a frequency of 3.6e-05 in 249070 control chromosomes, predominantly at a frequency of 0.00045 within the African or African-American subpopulation in the gnomAD database. The available data on variant occurrences in the general population are insufficient to allow any conclusion about variant significance. To our knowledge, no occurrence of c.97G>A in individuals affected with SYNE4-related conditions and no experimental evidence demonstrating its impact on protein function have been reported. ClinVar contains an entry for this variant (Variation ID: 3368402). Based on the evidence outlined above, the variant was classified as uncertain significance.

GeneDx
Classification: Uncertain significance. Last evaluated: 2024-04-25. Review status: criteria provided, single submitter. Criteria: GeneDx Variant Classification Process June 2021. Collection method: clinical testing. Allele origin: germline. Affected: yes.
Comment: In silico analysis supports that this missense variant has a deleterious effect on protein structure/function; Has not been previously published as pathogenic or benign to our knowledge

NM_001039876.3(SYNE4):c.97G>A (p.Val33Ile)

Gene: SYNE4 (spectrin repeat containing nuclear envelope family member 4; minus strand). Cytogenetic location: 19q13.12.
Variant type: single nucleotide variant.
Coding change: c.97G>A on transcript NM_001039876.3 (MANE Select); coding-DNA position 97, G replaced by A.
Protein change: p.Val33Ile; replaces valine 33 with isoleucine.
Molecular consequence: missense variant.
Genome position (GRCh38, 1-based): chr19:36,008,585, C>T on the plus strand (G>A on the coding strand, the complement: SYNE4 is on the minus strand). VCF-style: chr19-36008585-C-T. GRCh37 (hg19) VCF-style: chr19-36499487-C-T.
Other names: c.97G>A, p.Val33Ile (NM_001297735.3); short protein forms V33I.
Identifiers: ClinVar variation 3368402 (VCV003368402.2).
Genomic context (GRCh38, chr19:36,008,585, plus strand): 5'-GAACAAGCTTCCAAAGCCCCGGCCCCCACCTCGTGCTCTCCTCTCCGGACGCGGGGCAGA[C>T]GGTGCATCCAACAATGTCCGCCTCTCTAGGTGCTCCCGGTGGGTGGTTGAGGGGCTCTGA-3'
Protein context (NP_001034965.1, residues 23-43): PREADIVGCT[Val33Ile]CPASGEESTS